The following is an entry in ClinVar:

NM_001136193.2(FASTKD2):c.911T>C (p.Ile304Thr)

Gene: FASTKD2 (FAST kinase domains 2; plus strand). Cytogenetic location: 2q33.3.
Variant type: single nucleotide variant.
Coding change: c.911T>C on transcript NM_001136193.2 (MANE Select); coding-DNA position 911, T replaced by C.
Protein change: p.Ile304Thr; replaces isoleucine 304 with threonine.
Molecular consequence: missense variant.
Genome position (GRCh38, 1-based): chr2:206,771,211, T>C. VCF-style: chr2-206771211-T-C. GRCh37 (hg19) VCF-style: chr2-207635935-T-C.
Other names: p.I304T:ATA>ACA; c.911T>C, p.Ile304Thr (NM_001136194.2, NM_014929.4); short protein forms I304T.
Identifiers: ClinVar variation 214351 (VCV000214351.20), dbSNP rs144499152, ClinGen allele CA324312.

ClinVar aggregate classification (germline): Conflicting classifications of pathogenicity. Review status: criteria provided, conflicting classifications (1 of 4 stars). 5 submissions from 5 submitters: Uncertain significance (1); Benign (2); Likely benign (1). 1 of the submissions does not count toward it. Last evaluated 2026-01-15.

Conditions:
FASTKD2-related disorder. Also called: FASTKD2-related condition.
Mitochondrial complex IV deficiency, nuclear type 1 (MC4DN1). Also called: Complex 4 mitochondrial respiratory chain deficiency; Deficiency of mitochondrial respiratory chain complex4; Complex IV deficiency; COX DEFICIENCY; Mitochondrial complex IV deficiency. Identifiers: MedGen C5435656, MONDO:0700250, OMIM 220110. Disease mechanism: loss of function.

Allele frequency attached by ClinVar (database versions not stated): gnomAD 0.00012 and 0.00016; gnomAD exomes 0.00013 and 0.00047; TOPMed 0.00031; ExAC 0.00046; 1000 Genomes Project 30x 0.00094; 1000 Genomes Project 0.00120.
gnomAD v4.1: 220 of 1,607,778 alleles (0.014%); highest among the groups gnomAD compares: East Asian, 0.45%; no homozygotes.

Submissions (5):

Labcorp Genetics (formerly Invitae), Labcorp
Classification: Benign. Last evaluated: 2026-01-15. Review status: criteria provided, single submitter. Criteria: Invitae Variant Classification Sherloc (09022015). Collection method: clinical testing. Allele origin: germline.

GeneDx
Classification: Likely benign. Last evaluated: 2024-10-29. Review status: criteria provided, single submitter. Criteria: GeneDx Variant Classification Process June 2021. Collection method: clinical testing. Allele origin: germline. Affected: yes.
Comment: This variant is denoted c.911 T>C at the cDNA level or p.Ile304Thr (I304T) at the protein level. The I304T missense change has not been published as a mutation, nor has it been reported as a benign polymorphism to our knowledge. The amino acid change is nonconservative in that a non-polar Isoleucine residue is replaced by a polar Threonine residue. This change occurs at a highly conserved position in the FASTKD2 protein, and multiple in-silico analysis programs predict that I304T is damaging to the FASTKD2 protein. Therefore, I304T is a strong candidate for a disease-causing mutation, however the possibility that it is a benign variant cannot be excluded. The variant is found in MITONUC-MITOP panel(s).

Illumina Laboratory Services, Illumina
Classification: Uncertain significance for Mitochondrial complex IV deficiency, nuclear type 1. Last evaluated: 2018-01-13. Review status: criteria provided, single submitter. Criteria: ICSL Variant Classification Criteria 13 December 2019. Collection method: clinical testing. Allele origin: germline.

Eurofins Ntd Llc (ga)
Classification: Benign. Last evaluated: 2015-10-29. Review status: criteria provided, single submitter. Criteria: EGL Classification Definitions 2015. Collection method: clinical testing. Allele origin: germline. Observed: 1 variant allele, 1 heterozygote.

PreventionGenetics, part of Exact Sciences
Classification: Likely benign for FASTKD2-related condition. Last evaluated: 2020-03-27. Review status: no assertion criteria provided. Collection method: clinical testing. Allele origin: germline. Not counted in ClinVar's aggregate classification.
Comment: This variant is classified as likely benign based on ACMG/AMP sequence variant interpretation guidelines (Richards et al. 2015 PMID: 25741868, with internal and published modifications).